The following is an entry in ClinVar:

NM_183075.3(CYP2U1):c.1178C>T (p.Ser393Phe)

Gene: CYP2U1 (cytochrome P450 family 2 subfamily U member 1; plus strand). Cytogenetic location: 4q25.
Variant type: single nucleotide variant.
Coding change: c.1178C>T on transcript NM_183075.3 (MANE Select); coding-DNA position 1178, C replaced by T.
Protein change: p.Ser393Phe; replaces serine 393 with phenylalanine.
Molecular consequence: missense variant.
Genome position (GRCh38, 1-based): chr4:107,947,427, C>T. VCF-style: chr4-107947427-C-T. GRCh37 (hg19) VCF-style: chr4-108868583-C-T.
Other names: short protein forms S393F.
Identifiers: ClinVar variation 458308 (VCV000458308.7), dbSNP rs1374309961, ClinGen allele CA357838351.

ClinVar aggregate classification (germline): Uncertain significance. Review status: criteria provided, multiple submitters, no conflicts (2 of 4 stars). 2 submissions from 2 submitters: Uncertain significance (2). Last evaluated 2021-09-27.

Conditions:
Inborn genetic diseases. Identifiers: MedGen C0950123, MeSH D030342.
Spastic paraplegia. Identifiers: MedGen C0037772, HP:0001258.

Allele frequency attached by ClinVar (database versions not stated): TOPMed below 0.00001; gnomAD 0.00001.

Submissions (2):

Ambry Genetics
Classification: Uncertain significance for Inborn genetic diseases. Last evaluated: 2021-09-27. Review status: criteria provided, single submitter. Criteria: Ambry Variant Classification Scheme 2023. Collection method: clinical testing. Allele origin: germline.

Labcorp Genetics (formerly Invitae), Labcorp
Classification: Uncertain significance for Spastic paraplegia. Last evaluated: 2018-11-07. Review status: criteria provided, single submitter. Criteria: Invitae Variant Classification Sherloc (09022015). Collection method: clinical testing. Allele origin: germline.
Comment: This sequence change replaces serine with phenylalanine at codon 393 of the CYP2U1 protein (p.Ser393Phe). The serine residue is highly conserved and there is a large physicochemical difference between serine and phenylalanine. This variant is not present in population databases (ExAC no frequency). This variant has been observed in a family with hereditary spastic paraplegia (Invitae). Algorithms developed to predict the effect of missense changes on protein structure and function (SIFT, PolyPhen-2, Align-GVGD) all suggest that this variant is likely to be disruptive, but these predictions have not been confirmed by published functional studies and their clinical significance is uncertain. In summary, the available evidence is currently insufficient to determine the role of this variant in disease. Therefore, it has been classified as a Variant of Uncertain Significance.